The following is an entry in ClinVar:

ClinVar aggregate classification (germline): Likely benign. Review status: criteria provided, multiple submitters, no conflicts (2 of 4 stars). 3 submissions from 3 submitters: Likely benign (3). Last evaluated 2025-09-09.

Allele frequency attached by ClinVar (database versions not stated): gnomAD 0.00001; TOPMed 0.00002; ExAC 0.00006; gnomAD exomes 0.00006.
gnomAD v4.1: 20 of 1,550,330 alleles (0.0013%); highest among the groups gnomAD compares: East Asian, 0.029%; no homozygotes.

Submissions (3):

Labcorp Genetics (formerly Invitae), Labcorp
Classification: Likely benign. Last evaluated: 2025-09-09. Review status: criteria provided, single submitter. Criteria: Invitae Variant Classification Sherloc (09022015). Collection method: clinical testing. Allele origin: germline.

Blueprint Genetics
Classification: Likely benign. Last evaluated: 2022-06-21. Review status: criteria provided, single submitter. Criteria: ACMG Guidelines, 2015. Collection method: clinical testing. Allele origin: germline.

Laboratory for Molecular Medicine, Mass General Brigham Personalized Medicine
Classification: Likely benign. Last evaluated: 2015-05-28. Review status: criteria provided, single submitter. Criteria: LMM Criteria. Collection method: clinical testing. Allele origin: germline. Observed: 2 variant alleles.
Comment: p.Asn2761Asn in exon 51 of OTOG: This variant is not expected to have clinical s ignificance because it does not alter an amino acid residue and is not located w ithin the splice consensus sequence. It has been identified in 1/486 East Asian chromosomes by the Exome Aggregation Consortium (ExAC).

NM_001292063.2(OTOG):c.8247C>T (p.Asn2749=)

Gene: OTOG (otogelin; plus strand). Cytogenetic location: 11p15.1.
Variant type: single nucleotide variant.
Coding change: c.8247C>T on transcript NM_001292063.2 (MANE Select); coding-DNA position 8247, C replaced by T.
Protein change: p.Asn2749=; no amino-acid change (asparagine 2749 retained).
Molecular consequence: synonymous variant.
Genome position (GRCh38, 1-based): chr11:17,641,903, C>T. VCF-style: chr11-17641903-C-T. GRCh37 (hg19) VCF-style: chr11-17663450-C-T.
Other names: c.8283C>T, p.Asn2761= (NM_001277269.2).
Identifiers: ClinVar variation 227807 (VCV000227807.10), dbSNP rs778915475, ClinGen allele CA5906257.
Genomic context (GRCh38, chr11:17,641,903, plus strand): 5'-GTAGAACCAGGAGTACGAGCACCCGCGGGACCTCGCTGCCTGCTGCGGCTCCTGCAGGAA[C>T]GTGTCCTGTCTCTTCACCTTCCCCAATGGCACCACCTCCCTGTTCTTGGTAAGCAGCCCC-3'
Protein context (NP_001278992.1, residues 2739-2759): DLAACCGSCR[Asn2749=]VSCLFTFPNG